The following is an entry in ClinVar:

NM_033004.4(NLRP1):c.3886G>A (p.Gly1296Ser)

Gene: NLRP1 (NLR family pyrin domain containing 1; minus strand). Cytogenetic location: 17p13.2.
Variant type: single nucleotide variant.
Coding change: c.3886G>A on transcript NM_033004.4 (MANE Select); coding-DNA position 3886, G replaced by A.
Protein change: p.Gly1296Ser; replaces glycine 1296 with serine.
Molecular consequence: missense variant. On other transcripts: intron variant (2).
Genome position (GRCh38, 1-based): chr17:5,520,910, C>T on the plus strand (G>A on the coding strand, the complement: NLRP1 is on the minus strand). VCF-style: chr17-5520910-C-T. GRCh37 (hg19) VCF-style: chr17-5424230-C-T.
Other names: c.3898G>A, p.Gly1300Ser (NM_001033053.3); c.3796G>A, p.Gly1266Ser (NM_033006.4); c.3693+614G>A (NM_033007.4); c.3783+614G>A (NM_014922.5); short protein forms G1266S, G1296S, G1300S.
Identifiers: ClinVar variation 2110879 (VCV002110879.4), dbSNP rs772537562, ClinGen allele CA287278048.

ClinVar aggregate classification (germline): Uncertain significance (1 of 4 stars; one submission).

Allele frequency attached by ClinVar (database versions not stated): gnomAD exomes below 0.00001.
gnomAD v4.1: 3 of 1,609,246 alleles (0.00019%); highest among the groups gnomAD compares: Non-Finnish European, 0.00025%; no homozygotes.

Submission:

Labcorp Genetics (formerly Invitae), Labcorp
Classification: Uncertain significance. Last evaluated: 2023-12-11. Review status: criteria provided, single submitter. Criteria: Invitae Variant Classification Sherloc (09022015). Collection method: clinical testing. Allele origin: germline.
Comment: This sequence change replaces glycine, which is neutral and non-polar, with serine, which is neutral and polar, at codon 1296 of the NLRP1 protein (p.Gly1296Ser). This variant is not present in population databases (gnomAD no frequency). This variant has not been reported in the literature in individuals affected with NLRP1-related conditions. ClinVar contains an entry for this variant (Variation ID: 2110879). An algorithm developed to predict the effect of missense changes on protein structure and function (PolyPhen-2) suggests that this variant is likely to be tolerated. Algorithms developed to predict the effect of sequence changes on RNA splicing suggest that this variant may disrupt the consensus splice site. In summary, the available evidence is currently insufficient to determine the role of this variant in disease. Therefore, it has been classified as a Variant of Uncertain Significance.